The following is an entry in ClinVar:

NM_005902.4(SMAD3):c.207-26681T>C

Gene: SMAD3 (SMAD family member 3; plus strand). Cytogenetic location: 15q22.33.
Variant type: single nucleotide variant.
Coding change: c.207-26681T>C on transcript NM_005902.4 (MANE Select); 26681 bases into the intron before coding-DNA position 207, T replaced by C.
Molecular consequence: intron variant.
Genome position (GRCh38, 1-based): chr15:67,138,214, T>C. VCF-style: chr15-67138214-T-C. GRCh37 (hg19) VCF-style: chr15-67430552-T-C.
Other names: c.-110+12230T>C (NM_001145102.2); c.74+114T>C (NM_001145103.2).
Identifiers: ClinVar variation 675262 (VCV000675262.2), dbSNP rs12914140, ClinGen allele CA272440541.
Genomic context (GRCh38, chr15:67,138,214, plus strand): 5'-ACCCGTCCACAGGGTTGCTGGCCAGAGATCTGTCAGAGTTTCTCCGGGCTTCTCTTTCTC[T>C]GGGTGGGGATGTGGACTCTTAGGATGTCAGGAAGCAACTGTAGGAAACCCCCTGTGTGGG-3'

ClinVar aggregate classification (germline): Benign. Review status: criteria provided, multiple submitters, no conflicts (2 of 4 stars). 2 submissions from 2 submitters: Benign (2). Last evaluated 2018-06-14.

Allele frequency attached by ClinVar (database versions not stated): 1000 Genomes Project 30x 0.05668; 1000 Genomes Project 0.05671; TOPMed 0.06414; gnomAD exomes 0.06510; gnomAD 0.06709 and 0.06825.
gnomAD v4.1: 52,253 of 800,918 alleles (6.5%); highest among the groups gnomAD compares: African/African-American, 7.8%; 1,878 homozygotes.

Submissions (2):

GeneDx
Classification: Benign. Last evaluated: 2018-06-14. Review status: criteria provided, single submitter. Criteria: GeneDx Variant Classification (06012015). Collection method: clinical testing. Allele origin: germline. Affected: yes.
Comment: This variant is considered likely benign or benign based on one or more of the following criteria: it is a conservative change, it occurs at a poorly conserved position in the protein, it is predicted to be benign by multiple in silico algorithms, and/or has population frequency not consistent with disease.

Breakthrough Genomics
Classification: Benign. Review status: criteria provided, single submitter. Criteria: ACMG Guidelines, 2015. Collection method: not provided. Allele origin: germline. Inheritance: Autosomal dominant inheritance. Affected: yes.